The following is an entry in ClinVar:

NM_005633.4(SOS1):c.2788T>A (p.Phe930Ile)

Gene: SOS1 (SOS Ras/Rac guanine nucleotide exchange factor 1; minus strand). Cytogenetic location: 2p22.1.
Variant type: single nucleotide variant.
Coding change: c.2788T>A on transcript NM_005633.4 (MANE Select); coding-DNA position 2788, T replaced by A.
Protein change: p.Phe930Ile; replaces phenylalanine 930 with isoleucine.
Molecular consequence: missense variant.
Genome position (GRCh38, 1-based): chr2:39,006,415, A>T on the plus strand (T>A on the coding strand, the complement: SOS1 is on the minus strand). VCF-style: chr2-39006415-A-T. GRCh37 (hg19) VCF-style: chr2-39233556-A-T.
Other names: c.2767T>A, p.Phe923Ile (NM_001382394.1); c.2788T>A, p.Phe930Ile (NM_001382395.1); short protein forms F930I, F923I.
Identifiers: ClinVar variation 633428 (VCV000633428.4), dbSNP rs1558465734, ClinGen allele CA346363019.

ClinVar aggregate classification (germline): Uncertain significance. Review status: criteria provided, multiple submitters, no conflicts (2 of 4 stars). 2 submissions from 2 submitters: Uncertain significance (2). Last evaluated 2022-11-23.

Conditions:
RASopathy. Also called: rasopathies; Noonan spectrum disorder. Identifiers: Orphanet 536391, MedGen C5555857, MONDO:0021060.

Submissions (2):

Labcorp Genetics (formerly Invitae), Labcorp
Classification: Uncertain significance for RASopathy. Last evaluated: 2022-11-23. Review status: criteria provided, single submitter. Criteria: Invitae Variant Classification Sherloc (09022015). Collection method: clinical testing. Allele origin: germline.
Comment: This variant is not present in population databases (gnomAD no frequency). This sequence change replaces phenylalanine, which is neutral and non-polar, with isoleucine, which is neutral and non-polar, at codon 930 of the SOS1 protein (p.Phe930Ile). This variant has not been reported in the literature in individuals affected with SOS1-related conditions. In summary, the available evidence is currently insufficient to determine the role of this variant in disease. Therefore, it has been classified as a Variant of Uncertain Significance. Advanced modeling of protein sequence and biophysical properties (such as structural, functional, and spatial information, amino acid conservation, physicochemical variation, residue mobility, and thermodynamic stability) has been performed at Invitae for this missense variant, however the output from this modeling did not meet the statistical confidence thresholds required to predict the impact of this variant on SOS1 protein function. ClinVar contains an entry for this variant (Variation ID: 633428).

Women's Health and Genetics/Laboratory Corporation of America, LabCorp
Classification: Uncertain significance. Last evaluated: 2018-04-02. Review status: criteria provided, single submitter. Criteria: LabCorp Variant Classification Summary - May 2015. Collection method: clinical testing. Allele origin: germline.
Comment: Variant summary: SOS1 c.2788T>A (p.Phe930Ile) results in a non-conservative amino acid change located in the Ras guanine-nucleotide exchange factors catalytic domain of the encoded protein sequence. Three of five in-silico tools predict a benign effect of the variant on protein function. The variant was absent in 245534 control chromosomes (gnomAD). The available data on variant occurrences in the general population are insufficient to allow any conclusion about variant significance. To our knowledge, no occurrence of c.2788T>A in individuals affected with Noonan Syndrome and Related Conditions and no experimental evidence demonstrating its impact on protein function have been reported. No clinical diagnostic laboratories have submitted clinical-significance assessments for this variant to ClinVar after 2014. Based on the evidence outlined above, the variant was classified as uncertain significance.